The following is an entry in ClinVar:

ClinVar aggregate classification (germline): Uncertain significance (1 of 4 stars; one submission).

Submission:

GeneDx
Classification: Uncertain significance. Last evaluated: 2021-12-06. Review status: criteria provided, single submitter. Criteria: GeneDx Variant Classification Process June 2021. Collection method: clinical testing. Allele origin: germline. Affected: yes.
Comment: Has not been previously published as pathogenic or benign to our knowledge; In silico analysis supports that this missense variant has a deleterious effect on protein structure/function; Not observed in large population cohorts (Lek et al., 2016)

NM_001429.4(EP300):c.137A>T (p.Glu46Val)

Gene: EP300 (E1A binding protein p300; plus strand). Cytogenetic location: 22q13.2.
Variant type: single nucleotide variant.
Coding change: c.137A>T on transcript NM_001429.4 (MANE Select); coding-DNA position 137, A replaced by T.
Protein change: p.Glu46Val; replaces glutamic acid 46 with valine.
Molecular consequence: missense variant.
Genome position (GRCh38, 1-based): chr22:41,117,229, A>T. VCF-style: chr22-41117229-A-T. GRCh37 (hg19) VCF-style: chr22-41513233-A-T.
Other names: c.137A>T, p.Glu46Val (NM_001362843.2); short protein forms E46V.
Identifiers: ClinVar variation 1328714 (VCV001328714.2), dbSNP rs2145696320, ClinGen allele CA411679662.
Genomic context (GRCh38, chr22:41,117,229, plus strand): 5'-TTTTCCCTTTGCTTTTAGATTTTGGCTCTCTATTTGACTTGGAGCACGACTTACCAGATG[A>T]ATTAATCAACTCTACAGAATTGGGACTAACCAATGGTGGTGATATTAATCAGCTTCAGAC-3'
Protein context (NP_001420.2, residues 36-56): LFDLEHDLPD[Glu46Val]LINSTELGLT